The following is an entry in ClinVar:

ClinVar aggregate classification (germline): Conflicting classifications of pathogenicity. Review status: criteria provided, conflicting classifications (1 of 4 stars). 4 submissions from 4 submitters: Uncertain significance (1); Likely benign (3). Last evaluated 2026-04-01.

Conditions:
Inborn genetic diseases. Identifiers: MedGen C0950123, MeSH D030342.
Intellectual developmental disorder, autosomal dominant 43. Also called: Intellectual disability, autosomal dominant 43. Identifiers: MedGen C4707429, MONDO:0014858, OMIM 616977.

Allele frequency attached by ClinVar (database versions not stated): ExAC 0.00001; gnomAD 0.00001; gnomAD exomes 0.00001; TOPMed 0.00003.
gnomAD v4.1: 25 of 1,614,064 alleles (0.0015%); highest among the groups gnomAD compares: Admixed American, 0.028%; no homozygotes.

Submissions (4):

CeGaT Center for Human Genetics Tuebingen
Classification: Likely benign. Last evaluated: 2026-04-01. Review status: criteria provided, single submitter. Criteria: CeGaT Center For Human Genetics Tuebingen Variant Classification Criteria Version 2. Collection method: clinical testing. Allele origin: germline. Affected: yes. Observed: 1 variant allele.
Comment: HIVEP2: BP4

Labcorp Genetics (formerly Invitae), Labcorp
Classification: Likely benign. Last evaluated: 2025-01-08. Review status: criteria provided, single submitter. Criteria: Invitae Variant Classification Sherloc (09022015). Collection method: clinical testing. Allele origin: germline.

Ambry Genetics
Classification: Likely benign for Inborn genetic diseases. Last evaluated: 2021-08-04. Review status: criteria provided, single submitter. Criteria: Ambry Variant Classification Scheme 2023. Collection method: clinical testing. Allele origin: germline.

Revvity Omics, Revvity
Classification: Uncertain significance for Intellectual developmental disorder, autosomal dominant 43. Last evaluated: 2020-04-02. Review status: criteria provided, single submitter. Criteria: ACMG Guidelines, 2015. Collection method: clinical testing. Allele origin: germline.

NM_006734.4(HIVEP2):c.1067A>T (p.Asn356Ile)

Gene: HIVEP2 (HIVEP zinc finger 2; minus strand). Cytogenetic location: 6q24.2.
Variant type: single nucleotide variant.
Coding change: c.1067A>T on transcript NM_006734.4 (MANE Select); coding-DNA position 1067, A replaced by T.
Protein change: p.Asn356Ile; replaces asparagine 356 with isoleucine.
Molecular consequence: missense variant.
Genome position (GRCh38, 1-based): chr6:142,773,672, T>A on the plus strand (A>T on the coding strand, the complement: HIVEP2 is on the minus strand). VCF-style: chr6-142773672-T-A. GRCh37 (hg19) VCF-style: chr6-143094809-T-A.
Other names: c.1067A>T (NM_006734.3); short protein forms N356I.
Identifiers: ClinVar variation 2074282 (VCV002074282.10), dbSNP rs764394943, ClinGen allele CA4028651.